The following is an entry in ClinVar:

ClinVar aggregate classification (germline): Benign. Review status: criteria provided, multiple submitters, no conflicts (2 of 4 stars). 2 submissions from 2 submitters: Benign (2). Last evaluated 2018-01-12.

Conditions:
Megalencephalic leukoencephalopathy with subcortical cysts 1 (MLC1). Also called: LEUKOENCEPHALOPATHY WITH SWELLING AND CYSTS; VACUOLATING MEGALENCEPHALIC LEUKOENCEPHALOPATHY WITH SUBCORTICAL CYSTS. Identifiers: Orphanet 2478, MedGen C5779875, MONDO:0024555, OMIM 604004.

Allele frequency attached by ClinVar (database versions not stated): TOPMed 0.01883; gnomAD 0.01944 and 0.02045; 1000 Genomes Project 30x 0.02811; 1000 Genomes Project 0.02975.

Submissions (2):

Illumina Laboratory Services, Illumina
Classification: Benign for Megalencephalic leukoencephalopathy with subcortical cysts 1. Last evaluated: 2018-01-12. Review status: criteria provided, single submitter. Criteria: ICSL Variant Classification Criteria 13 December 2019. Collection method: clinical testing. Allele origin: germline.
Comment: This variant was observed in the ICSL laboratory as part of a predisposition screen in an ostensibly healthy population. It had not been previously curated by ICSL or reported in the Human Gene Mutation Database (HGMD: prior to June 1st, 2018), and was therefore a candidate for classification through an automated scoring system. Utilizing variant allele frequency, disease prevalence and penetrance estimates, and inheritance mode, an automated score was calculated to assess if this variant is too frequent to cause the disease. Based on the score and internal cut-off values, a variant classified as benign is not then subjected to further curation. The score for this variant resulted in a classification of benign for this disease.

Breakthrough Genomics
Classification: Benign. Review status: criteria provided, single submitter. Criteria: ACMG Guidelines, 2015. Collection method: not provided. Allele origin: germline. Inheritance: Autosomal recessive inheritance. Affected: yes.

NM_015166.4(MLC1):c.*1143C>T

Gene: MLC1 (modulator of VRAC current 1; minus strand). Cytogenetic location: 22q13.33.
Variant type: single nucleotide variant.
Coding change: c.*1143C>T on transcript NM_015166.4 (MANE Select); 1143 bases downstream of the stop codon, C replaced by T.
Molecular consequence: 3 prime UTR variant. On other transcripts: intron variant (2).
Genome position (GRCh38, 1-based): chr22:50,060,440, G>A on the plus strand (C>T on the coding strand, the complement: MLC1 is on the minus strand). VCF-style: chr22-50060440-G-A. GRCh37 (hg19) VCF-style: chr22-50498869-G-A.
Other names: c.*1143C>T (NM_001376472.1, NM_001376473.1, NM_001376474.1 and 9 more transcripts); c.*46-288C>T (NM_001376478.1, NM_001376477.1).
Identifiers: ClinVar variation 342085 (VCV000342085.6), dbSNP rs2294384, ClinGen allele CA10645738.